The following is an entry in ClinVar:

ClinVar aggregate classification (germline): Uncertain significance. Review status: criteria provided, multiple submitters, no conflicts (2 of 4 stars). 6 submissions from 6 submitters: Uncertain significance (6). Last evaluated 2025-11-04.

Conditions:
Hereditary cancer-predisposing syndrome. Also called: Hereditary neoplastic syndrome; Neoplastic Syndromes, Hereditary; Tumor predisposition; Hereditary Cancer Syndrome. Identifiers: Orphanet 140162, MedGen C0027672, MeSH D009386, MONDO:0015356.
Tuberous sclerosis syndrome (TSC). Also called: Tuberous Sclerosis Complex; Tuberous sclerosis. Identifiers: Orphanet 805, MedGen C0041341, MONDO:0001734.
Tuberous sclerosis 1 (TSC1). Identifiers: Orphanet 805, MedGen C1854465, MONDO:0008612, OMIM 191100.

Allele frequency attached by ClinVar (database versions not stated): gnomAD exomes below 0.00001; TOPMed 0.00001.
gnomAD v4.1: 3 of 1,614,248 alleles (0.00019%); highest among the groups gnomAD compares: East Asian, 0.0022%; no homozygotes.

Submissions (6):

Ambry Genetics
Classification: Uncertain significance for Hereditary cancer-predisposing syndrome. Last evaluated: 2025-11-04. Review status: criteria provided, single submitter. Criteria: Ambry Variant Classification Scheme 2023. Collection method: clinical testing. Allele origin: germline.
Comment: The p.Y948C variant (also known as c.2843A>G), located in coding exon 20 of the TSC1 gene, results from an A to G substitution at nucleotide position 2843. The tyrosine at codon 948 is replaced by cysteine, an amino acid with highly dissimilar properties. This amino acid position is conserved. In addition, this alteration is predicted to be deleterious by in silico analysis. Since supporting evidence is limited at this time, the clinical significance of this alteration remains unclear.

Color Diagnostics, LLC DBA Color Health
Classification: Uncertain significance for Tuberous sclerosis syndrome. Last evaluated: 2025-07-25. Review status: criteria provided, single submitter. Criteria: ACMG Guidelines, 2015. Collection method: clinical testing. Allele origin: germline.
Comment: This missense variant replaces tyrosine with cysteine at codon 948 of the TSC1 protein. Computational prediction is inconclusive regarding the impact of this variant on protein structure and function. To our knowledge, functional studies have not been reported for this variant. This variant has not been reported in individuals affected with TSC1-related disorders in the literature. This variant has not been identified in the general population by the Genome Aggregation Database (gnomAD). The available evidence is insufficient to determine the role of this variant in disease conclusively. Therefore, this variant is classified as a Variant of Uncertain Significance.

Revvity Omics, Revvity
Classification: Uncertain significance. Last evaluated: 2024-02-09. Review status: criteria provided, single submitter. Criteria: ACMG Guidelines, 2015. Collection method: clinical testing. Allele origin: germline.

Labcorp Genetics (formerly Invitae), Labcorp
Classification: Uncertain significance for Tuberous sclerosis 1. Last evaluated: 2023-12-24. Review status: criteria provided, single submitter. Criteria: Invitae Variant Classification Sherloc (09022015). Collection method: clinical testing. Allele origin: germline.
Comment: This sequence change replaces tyrosine, which is neutral and polar, with cysteine, which is neutral and slightly polar, at codon 948 of the TSC1 protein (p.Tyr948Cys). This variant is present in population databases (no rsID available, gnomAD 0.0009%). This variant has not been reported in the literature in individuals affected with TSC1-related conditions. ClinVar contains an entry for this variant (Variation ID: 411275). Advanced modeling of protein sequence and biophysical properties (such as structural, functional, and spatial information, amino acid conservation, physicochemical variation, residue mobility, and thermodynamic stability) performed at Invitae indicates that this missense variant is not expected to disrupt TSC1 protein function with a negative predictive value of 95%. In summary, the available evidence is currently insufficient to determine the role of this variant in disease. Therefore, it has been classified as a Variant of Uncertain Significance.

GeneDx
Classification: Uncertain significance. Last evaluated: 2022-08-16. Review status: criteria provided, single submitter. Criteria: GeneDx Variant Classification Process June 2021. Collection method: clinical testing. Allele origin: germline. Affected: yes.
Comment: Not observed in large population cohorts (gnomAD); In silico analysis supports that this missense variant has a deleterious effect on protein structure/function; Has not been previously published as pathogenic or benign to our knowledge; This variant is associated with the following publications: (PMID: 18466115)

Genome-Nilou Lab
Classification: Uncertain significance for Tuberous sclerosis 1. Last evaluated: 2021-11-07. Review status: criteria provided, single submitter. Criteria: ACMG Guidelines, 2015. Collection method: clinical testing. Allele origin: germline. Affected: no.

NM_000368.5(TSC1):c.2843A>G (p.Tyr948Cys)

Gene: TSC1 (TSC complex subunit 1; minus strand). Cytogenetic location: 9q34.13.
Variant type: single nucleotide variant.
Coding change: c.2843A>G on transcript NM_000368.5 (MANE Select); coding-DNA position 2843, A replaced by G.
Protein change: p.Tyr948Cys; replaces tyrosine 948 with cysteine.
Molecular consequence: missense variant.
Genome position (GRCh38, 1-based): chr9:132,897,316, T>C on the plus strand (A>G on the coding strand, the complement: TSC1 is on the minus strand). VCF-style: chr9-132897316-T-C. GRCh37 (hg19) VCF-style: chr9-135772703-T-C.
Other names: c.2840A>G, p.Tyr947Cys (NM_001162426.2); c.2690A>G, p.Tyr897Cys (NM_001162427.2); c.2480A>G, p.Tyr827Cys (NM_001362177.2); short protein forms Y948C, Y827C, Y897C, Y947C.
Identifiers: ClinVar variation 411275 (VCV000411275.20), dbSNP rs989183765, ClinGen allele CA16612618.